The following is an entry in ClinVar:

ClinVar aggregate classification (germline): Uncertain significance (1 of 4 stars; one submission).

Submission:

Ambry Genetics
Classification: Uncertain significance. Last evaluated: 2024-02-18. Review status: criteria provided, single submitter. Criteria: Ambry Variant Classification Scheme 2023. Collection method: clinical testing. Allele origin: germline.
Comment: The p.L1974I variant (also known as c.5920C>A), located in coding exon 18 of the POLQ gene, results from a C to A substitution at nucleotide position 5920. The leucine at codon 1974 is replaced by isoleucine, an amino acid with highly similar properties. This amino acid position is conserved. In addition, this alteration is predicted to be tolerated by in silico analysis. Based on the available evidence, the clinical significance of this alteration remains unclear.

NM_199420.4(POLQ):c.5920C>A (p.Leu1974Ile)

Gene: POLQ (DNA polymerase theta; minus strand). Cytogenetic location: 3q13.33.
Variant type: single nucleotide variant.
Coding change: c.5920C>A on transcript NM_199420.4 (MANE Select); coding-DNA position 5920, C replaced by A.
Protein change: p.Leu1974Ile; replaces leucine 1974 with isoleucine.
Molecular consequence: missense variant.
Genome position (GRCh38, 1-based): chr3:121,483,436, G>T on the plus strand (C>A on the coding strand, the complement: POLQ is on the minus strand). VCF-style: chr3-121483436-G-T. GRCh37 (hg19) VCF-style: chr3-121202283-G-T.
Other names: short protein forms L1974I.
Identifiers: ClinVar variation 3230081 (VCV003230081.1), dbSNP rs867210399, ClinGen allele CA354088496.